The following is an entry in ClinVar:

NM_001080517.3(SETD5):c.1829C>T (p.Pro610Leu)

Gene: SETD5 (SET domain containing 5; plus strand). Cytogenetic location: 3p25.3.
Variant type: single nucleotide variant.
Coding change: c.1829C>T on transcript NM_001080517.3 (MANE Select); coding-DNA position 1829, C replaced by T.
Protein change: p.Pro610Leu; replaces proline 610 with leucine.
Molecular consequence: missense variant.
Genome position (GRCh38, 1-based): chr3:9,447,732, C>T. VCF-style: chr3-9447732-C-T. GRCh37 (hg19) VCF-style: chr3-9489416-C-T.
Other names: c.1535C>T, p.Pro512Leu (NM_001292043.2, NM_001349451.2); c.1925C>T, p.Pro642Leu (NM_001437633.1); c.1886C>T, p.Pro629Leu (NM_001437635.1); c.1829C>T, p.Pro610Leu (NM_001437643.1); c.1868C>T, p.Pro623Leu (NM_001437701.1); short protein forms P512L, P610L, P623L, P629L, P642L.
Identifiers: ClinVar variation 4805613 (VCV004805613.2).

ClinVar aggregate classification (germline): Uncertain significance. Review status: criteria provided, multiple submitters, no conflicts (2 of 4 stars). 2 submissions from 2 submitters: Uncertain significance (2). Last evaluated 2025-10-02.

Submissions (2):

Labcorp Genetics (formerly Invitae), Labcorp
Classification: Uncertain significance. Last evaluated: 2025-10-02. Review status: criteria provided, single submitter. Criteria: Invitae Variant Classification Sherloc (09022015). Collection method: clinical testing. Allele origin: germline.
Comment: This sequence change replaces proline, which is neutral and non-polar, with leucine, which is neutral and non-polar, at codon 610 of the SETD5 protein (p.Pro610Leu). This variant is not present in population databases (gnomAD no frequency). This variant has not been reported in the literature in individuals affected with SETD5-related conditions. Invitae Evidence Modeling of protein sequence and biophysical properties (such as structural, functional, and spatial information, amino acid conservation, physicochemical variation, residue mobility, and thermodynamic stability) indicates that this missense variant is not expected to disrupt SETD5 protein function with a negative predictive value of 80%. In summary, the available evidence is currently insufficient to determine the role of this variant in disease. Therefore, it has been classified as a Variant of Uncertain Significance.

Blueprint Genetics
Classification: Uncertain significance. Last evaluated: 2020-09-07. Review status: criteria provided, single submitter. Criteria: ACMG Guidelines, 2015. Collection method: clinical testing. Allele origin: germline.